The following is an entry in ClinVar:

ClinVar aggregate classification (germline): Uncertain significance (1 of 4 stars; one submission).

Conditions:
Early-infantile DEE. Also called: Early infantile epileptic encephalopathy; Ohtahara syndrome; Early infantile epileptic encephalopathy with suppression bursts. Identifiers: Orphanet 1934, MedGen C0393706, MONDO:0800491.

Submission:

Labcorp Genetics (formerly Invitae), Labcorp
Classification: Uncertain significance for Early-infantile DEE. Last evaluated: 2024-09-16. Review status: criteria provided, single submitter. Criteria: Invitae Variant Classification Sherloc (09022015). Collection method: clinical testing. Allele origin: germline.
Comment: This sequence change replaces isoleucine, which is neutral and non-polar, with asparagine, which is neutral and polar, at codon 899 of the SCN1A protein (p.Ile899Asn). This variant is not present in population databases (gnomAD no frequency). This variant has not been reported in the literature in individuals affected with SCN1A-related conditions. Invitae Evidence Modeling of protein sequence and biophysical properties (such as structural, functional, and spatial information, amino acid conservation, physicochemical variation, residue mobility, and thermodynamic stability) indicates that this missense variant is expected to disrupt SCN1A protein function with a positive predictive value of 95%. In summary, the available evidence is currently insufficient to determine the role of this variant in disease. Therefore, it has been classified as a Variant of Uncertain Significance.

NM_001165963.4(SCN1A):c.2696T>A (p.Ile899Asn)

Gene: SCN1A (sodium voltage-gated channel alpha subunit 1; minus strand). Cytogenetic location: 2q24.3.
Variant type: single nucleotide variant.
Coding change: c.2696T>A on transcript NM_001165963.4 (MANE Select); coding-DNA position 2696, T replaced by A.
Protein change: p.Ile899Asn; replaces isoleucine 899 with asparagine.
Molecular consequence: missense variant. On other transcripts: non-coding transcript variant (1).
Genome position (GRCh38, 1-based): chr2:166,038,026, A>T on the plus strand (T>A on the coding strand, the complement: SCN1A is on the minus strand). VCF-style: chr2-166038026-A-T. GRCh37 (hg19) VCF-style: chr2-166894536-A-T.
Other names: c.2663T>A, p.Ile888Asn (NM_001353949.2, NM_001353950.2, NM_001353951.2 and 2 more transcripts); c.2660T>A, p.Ile887Asn (NM_001353954.2, NM_001353955.2); c.2612T>A, p.Ile871Asn (NM_001353957.2, NM_001353958.2, NM_001165964.3); c.2609T>A, p.Ile870Asn (NM_001353960.2); c.254T>A, p.Ile85Asn (NM_001353961.2); c.2696T>A, p.Ile899Asn (NM_001202435.3, NM_001353948.2); short protein forms I888N, I887N, I899N, I870N, I871N, I85N.
Identifiers: ClinVar variation 3634042 (VCV003634042.2).
Genomic context (GRCh38, chr2:166,038,026, plus strand): 5'-CAATCTTTGTAGCTTTTACCAAAGAGCTGCATGCCGACCACGGCAAAAATGAAGACGATG[A>T]TGGCCAAGACGAGGGTTAAATTTCCCAGAGCCCCCACGGAATTGCCGATGATCTTTATTA-3'
Protein context (NP_001159435.1, residues 889-909): ALGNLTLVLA[Ile899Asn]IVFIFAVVGM